The following is an entry in ClinVar:

NM_014236.4(GNPAT):c.442C>T (p.Gln148Ter)

Gene: GNPAT (glyceronephosphate O-acyltransferase; plus strand). Cytogenetic location: 1q42.2.
Variant type: single nucleotide variant.
Coding change: c.442C>T on transcript NM_014236.4 (MANE Select); coding-DNA position 442, C replaced by T.
Protein change: p.Gln148Ter; replaces glutamine 148 with a stop codon.
Molecular consequence: nonsense.
Genome position (GRCh38, 1-based): chr1:231,262,726, C>T. VCF-style: chr1-231262726-C-T. GRCh37 (hg19) VCF-style: chr1-231398472-C-T.
Other names: c.259C>T, p.Gln87Ter (NM_001316350.2); short protein forms Q87*, Q148*.
Identifiers: ClinVar variation 666971 (VCV000666971.4), dbSNP rs1571946866, ClinGen allele CA345231817.

ClinVar aggregate classification (germline): Likely pathogenic (1 of 4 stars; one submission).

Conditions:
Rhizomelic chondrodysplasia punctata type 2 (RCDP2). Also called: Glyceronephosphate O-acyltransferase deficiency; DIHYDROXYACETONEPHOSPHATE ACYLTRANSFERASE DEFICIENCY; PEROXISOMAL DIHYDROXYACETONEPHOSPHATE ACYLTRANSFERASE DEFICIENCY; DHAPAT DEFICIENCY; glyceronephosphate O-acyltransferase (GNPAT) deficiency; Chondrodysplasia punctata, rhizomelic, due to dihydroxyacetonephosphate acyltransferase deficiency. Identifiers: Orphanet 177, Orphanet 309796, MedGen C1857242, MONDO:0100273, OMIM 222765. Disease mechanism: loss of function.

Submission:

Laboratory for Molecular Medicine, Mass General Brigham Personalized Medicine
Classification: Likely pathogenic for Rhizomelic chondrodysplasia punctata type 2. Last evaluated: 2018-08-23. Review status: criteria provided, single submitter. Criteria: LMM Criteria. Collection method: clinical testing. Allele origin: germline. Inheritance: Autosomal recessive inheritance. Observed: 1 variant allele.
Comment: The p.Gln148X variant in GNPAT has not been reported in individuals with rhizome lic chondrodysplasia punctata type 2 and was absent from large population studie s. This nonsense variant leads to a premature termination codon at position 148 which is predicted to lead to a truncated or absent protein. Bialleic loss of fu nction of the GNPAT gene has been associated with rhizomelic chondrodysplasia pu nctata type 2. In summary, although additional studies are required to fully est ablish its clinical significance, the p.Gln148X variant in GNPAT is likely patho genic for rhizomelic chondrodysplasia punctata type 2. ACMG/AMP Criteria applied : PVS1_Strong, PM2.